The following is an entry in ClinVar:

ClinVar aggregate classification (germline): Pathogenic. Review status: criteria provided, multiple submitters, no conflicts (2 of 4 stars). 2 submissions from 2 submitters: Pathogenic (2). Last evaluated 2025-12-09.

Conditions:
Hereditary cancer-predisposing syndrome. Also called: Hereditary neoplastic syndrome; Neoplastic Syndromes, Hereditary; Tumor predisposition; Hereditary Cancer Syndrome. Identifiers: Orphanet 140162, MedGen C0027672, MeSH D009386, MONDO:0015356.
Hereditary breast ovarian cancer syndrome. Also called: Hereditary breast and ovarian cancer syndrome; BRCA1- and BRCA2-Associated Hereditary Breast and Ovarian Cancer; Hereditary breast and ovarian cancer; Hereditary breast and ovarian cancer syndrome (HBOC); Breast and ovarian cancer; Hereditary breast and/or ovarian cancer syndrome. Identifiers: Orphanet 145, MedGen C0677776, MeSH D061325, MONDO:0003582. Disease mechanism: loss of function.

Submissions (2):

Women's Health and Genetics/Laboratory Corporation of America, LabCorp
Classification: Pathogenic for Hereditary breast ovarian cancer syndrome. Last evaluated: 2025-12-09. Review status: criteria provided, single submitter. Criteria: LabCorp Variant Classification Summary - May 2015. Collection method: clinical testing. Allele origin: germline.
Comment: Variant summary: BRCA2 c.968dupT (p.Arg324LysfsX3) results in a premature termination codon, predicted to cause absence of the protein due to nonsense mediated decay, which is a commonly known mechanism for disease. The variant was absent in 227732 control chromosomes (gnomAD). To our knowledge, no occurrence of c.968dupT in individuals affected with BRCA2-related conditions and no experimental evidence demonstrating its impact on protein function have been reported. ClinVar contains an entry for this variant (Variation ID: 3825445). Based on the evidence outlined above, the variant was classified as pathogenic.

Ambry Genetics
Classification: Pathogenic for Hereditary cancer-predisposing syndrome. Last evaluated: 2025-02-07. Review status: criteria provided, single submitter. Criteria: Ambry Variant Classification Scheme 2023. Collection method: clinical testing. Allele origin: germline.
Comment: The c.968dupT pathogenic mutation, located in coding exon 9 of the BRCA2 gene, results from a duplication of T at nucleotide position 968, causing a translational frameshift with a predicted alternate stop codon (p.R324Kfs*3). This variant is considered to be rare based on population cohorts in the Genome Aggregation Database (gnomAD). This alteration is expected to result in loss of function by premature protein truncation or nonsense-mediated mRNA decay. As such, this alteration is interpreted as a disease-causing mutation.

NM_000059.4(BRCA2):c.968dup (p.Arg324fs)

Gene: BRCA2 (BRCA2 DNA repair associated; plus strand). Cytogenetic location: 13q13.1.
Variant type: Duplication.
Coding change: c.968dup on transcript NM_000059.4 (MANE Select); coding-DNA position 968, one base duplicated (T; older notation c.968dupT).
Protein change: p.Arg324fs; shifts the reading frame from arginine 324.
Molecular consequence: frameshift variant. On other transcripts: non-coding transcript variant (1), intron variant (1).
Genome position (GRCh38, 1-based): chr13:32,332,446, T duplicated. VCF-style (leftmost placement, unchanged base first): chr13-32332445-G-GT. GRCh37 (hg19) VCF-style: chr13-32906582-G-GT.
Other names: c.968dup, p.Arg324fs (NM_001406720.1, NM_001406719.1, NM_001406721.1 and 1 more transcripts); c.424+1416dup (NM_001406722.1); c.968dupT (NM_000059.4, NM_000059.3); short protein forms R324fs.
Identifiers: ClinVar variation 3825445 (VCV003825445.2).
Genomic context (GRCh38, chr13:32,332,445, plus strand): 5'-TCTGAAGAAGATAGTTTTTCATTATGTTTTTCTAAATGTAGAACAAAAAATCTACAAAAA[G>GT]TAAGAACTAGCAAGACTAGGAAAAAAATTTTCCATGAAGCAAACGCTGATGAATGTGAAA-3'